The following is an entry in ClinVar:

NM_025114.4(CEP290):c.3200del (p.Glu1066_Leu1067insTer)

Gene: CEP290 (centrosomal protein 290; minus strand). Cytogenetic location: 12q21.32.
Variant type: Deletion.
Coding change: c.3200del on transcript NM_025114.4 (MANE Select); coding-DNA position 3200, one base deleted (T; older notation c.3200delT).
Protein change: p.Glu1066_Leu1067insTer.
Molecular consequence: nonsense.
Genome position (GRCh38, 1-based): chr12:88,093,879, A deleted on the plus strand (T on the coding strand, the reverse complement: CEP290 is on the minus strand); the first of 2 consecutive A bases (chr12:88,093,879-88,093,880); deleting either gives the same sequence. VCF-style (leftmost placement, unchanged base first): chr12-88093878-TA-T. GRCh37 (hg19) VCF-style: chr12-88487655-TA-T.
Identifiers: ClinVar variation 4816206 (VCV004816206.1).
Genomic context (GRCh38, chr12:88,093,878, plus strand): 5'-TAACGAAGTCCGTAAGTGTTCATACATTTTTTGACAATGTTCAGCCCGCTGCCTTTCATT[TA>T]ATTCCTTCATTTCCAGCATAGTTATTTTTTTTGAAATGGAAACAATGTCACTGTTGGTTA-3'

ClinVar aggregate classification (germline): Likely pathogenic (1 of 4 stars; one submission).

Conditions:
Leber congenital amaurosis (LCA). Also called: Leber's amaurosis. Identifiers: Orphanet 65, MedGen C0339527, MeSH D057130, MONDO:0018998.

Submission:

Natera, Inc.
Classification: Likely pathogenic for Leber congenital amaurosis. Last evaluated: 2025-10-13. Review status: criteria provided, single submitter. Criteria: Natera Variant Classification Schema (03/2026). Collection method: clinical testing. Allele origin: germline.
Comment: The c.3200del variant in CEP290 is a frameshift variant predicted to shift the reading frame and introduce a stop codon. This variant is expected to result in nonsense mediated decay, truncation, or a dysfunctional protein product. This variant is rare in the general population with a frequency below the threshold expected for the associated phenotype(s). Given the available evidence, this variant is classified as Likely Pathogenic.